The following is an entry in ClinVar:

ClinVar aggregate classification (germline): Uncertain significance (1 of 4 stars; one submission).

Conditions:
Cardiovascular phenotype. Identifiers: MedGen CN230736.

Submission:

Ambry Genetics
Classification: Uncertain significance for Cardiovascular phenotype. Last evaluated: 2024-06-06. Review status: criteria provided, single submitter. Criteria: Ambry Variant Classification Scheme 2023. Collection method: clinical testing. Allele origin: germline.
Comment: The p.E904K variant (also known as c.2710G>A), located in coding exon 20 of the MYH6 gene, results from a G to A substitution at nucleotide position 2710. The glutamic acid at codon 904 is replaced by lysine, an amino acid with similar properties. This amino acid position is conserved. In addition, this alteration is predicted to be deleterious by in silico analysis. Since supporting evidence is limited at this time, the clinical significance of this alteration remains unclear.

NM_002471.4(MYH6):c.2710G>A (p.Glu904Lys)

Gene: MYH6 (myosin heavy chain 6; minus strand). Cytogenetic location: 14q11.2.
Variant type: single nucleotide variant.
Coding change: c.2710G>A on transcript NM_002471.4 (MANE Select); coding-DNA position 2710, G replaced by A.
Protein change: p.Glu904Lys; replaces glutamic acid 904 with lysine.
Molecular consequence: missense variant.
Genome position (GRCh38, 1-based): chr14:23,393,884, C>T on the plus strand (G>A on the coding strand, the complement: MYH6 is on the minus strand). VCF-style: chr14-23393884-C-T. GRCh37 (hg19) VCF-style: chr14-23863093-C-T.
Other names: short protein forms E904K.
Identifiers: ClinVar variation 1795073 (VCV001795073.3), dbSNP rs759822161, ClinGen allele CA389013335.